The following is an entry in ClinVar:

ClinVar aggregate classification (germline): Uncertain significance. Review status: criteria provided, multiple submitters, no conflicts (2 of 4 stars). 2 submissions from 2 submitters: Uncertain significance (2). Last evaluated 2025-10-29.

Conditions:
Hereditary cancer-predisposing syndrome. Also called: Hereditary Cancer Syndrome; Hereditary neoplastic syndrome; Neoplastic Syndromes, Hereditary; Tumor predisposition. Identifiers: Orphanet 140162, MedGen C0027672, MeSH D009386, MONDO:0015356.

Submissions (2):

Labcorp Genetics (formerly Invitae), Labcorp
Classification: Uncertain significance. Last evaluated: 2025-10-29. Review status: criteria provided, single submitter. Criteria: Invitae Variant Classification Sherloc (09022015). Collection method: clinical testing. Allele origin: germline.
Comment: This sequence change replaces threonine, which is neutral and polar, with isoleucine, which is neutral and non-polar, at codon 442 of the FH protein (p.Thr442Ile). This variant is not present in population databases (gnomAD no frequency). This variant has not been reported in the literature in individuals affected with FH-related conditions. ClinVar contains an entry for this variant (Variation ID: 1769993). Invitae Evidence Modeling of protein sequence and biophysical properties (such as structural, functional, and spatial information, amino acid conservation, physicochemical variation, residue mobility, and thermodynamic stability) indicates that this missense variant is not expected to disrupt FH protein function with a negative predictive value of 95%. In summary, the available evidence is currently insufficient to determine the role of this variant in disease. Therefore, it has been classified as a Variant of Uncertain Significance.

Ambry Genetics
Classification: Uncertain significance for Hereditary cancer-predisposing syndrome. Last evaluated: 2024-04-11. Review status: criteria provided, single submitter. Criteria: Ambry Variant Classification Scheme 2023. Collection method: clinical testing. Allele origin: germline.
Comment: The p.T442I variant (also known as c.1325C>T), located in coding exon 9 of the FH gene, results from a C to T substitution at nucleotide position 1325. The threonine at codon 442 is replaced by isoleucine, an amino acid with similar properties. This amino acid position is well conserved in available vertebrate species. In addition, the in silico prediction for this alteration is inconclusive. Since supporting evidence is limited at this time, the clinical significance of this alteration remains unclear.

NM_000143.4(FH):c.1325C>T (p.Thr442Ile)

Gene: FH (fumarate hydratase; minus strand). Cytogenetic location: 1q43.
Variant type: single nucleotide variant.
Coding change: c.1325C>T on transcript NM_000143.4 (MANE Select); coding-DNA position 1325, C replaced by T.
Protein change: p.Thr442Ile; replaces threonine 442 with isoleucine.
Molecular consequence: missense variant.
Genome position (GRCh38, 1-based): chr1:241,500,502, G>A on the plus strand (C>T on the coding strand, the complement: FH is on the minus strand). VCF-style: chr1-241500502-G-A. GRCh37 (hg19) VCF-style: chr1-241663802-G-A.
Other names: short protein forms T442I.
Identifiers: ClinVar variation 1769993 (VCV001769993.6), dbSNP rs1060500899, ClinGen allele CA345436577.